The following is an entry in ClinVar:

NM_013382.7(POMT2):c.139_145del (p.Trp47fs)

Gene: POMT2 (protein O-mannosyltransferase 2; minus strand). Cytogenetic location: 14q24.3.
Variant type: Deletion.
Coding change: c.139_145del on transcript NM_013382.7 (MANE Select); coding-DNA positions 139 to 145, 7 bases deleted (TGGGGCT; older notation c.139_145delTGGGGCT).
Protein change: p.Trp47fs; shifts the reading frame from tryptophan 47.
Molecular consequence: frameshift variant.
Genome position (GRCh38, 1-based): chr14:77,320,537-77,320,543, AGCCCCA deleted on the plus strand (TGGGGCT on the coding strand, the reverse complement: POMT2 is on the minus strand); deleting any 7 consecutive bases within chr14:77,320,537-77,320,546 gives the same sequence; the c. name uses the placement nearest the transcript's 3' end. VCF-style (leftmost placement, unchanged base first): chr14-77320536-GAGCCCCA-G. GRCh37 (hg19) VCF-style: chr14-77786879-GAGCCCCA-G.
Other names: short protein forms W47fs.
Identifiers: ClinVar variation 2942883 (VCV002942883.3), dbSNP rs2503370932, ClinGen allele CA2740097165.

ClinVar aggregate classification (germline): Pathogenic (1 of 4 stars; one submission).

Conditions:
Muscular dystrophy-dystroglycanopathy (congenital with impaired intellectual development), type B, 2. Also called: MUSCULAR DYSTROPHY, CONGENITAL, POMT2-RELATED; Muscular dystrophy-dystroglycanopathy (congenital with intellectual disability), type B2. Identifiers: MedGen C3150416, MONDO:0013160, OMIM 613156.
Muscular dystrophy-dystroglycanopathy (congenital with brain and eye anomalies), type A2. Also called: MUSCULAR DYSTROPHY-DYSTROGLYCANOPATHY (CONGENITAL WITH BRAIN AND EYE ANOMALIES), TYPE A, 2; WALKER-WARBURG SYNDROME OR MUSCLE-EYE-BRAIN DISEASE, POMT2-RELATED. Identifiers: Orphanet 588, Orphanet 899, MedGen C3150411, MONDO:0013154, OMIM 613150.
Autosomal recessive limb-girdle muscular dystrophy type 2N. Also called: MUSCULAR DYSTROPHY-DYSTROGLYCANOPATHY, LIMB-GIRDLE, POMT2-RELATED; Muscular dystrophy-dystroglycanopathy (limb-girdle), type C, 2. Identifiers: Orphanet 206559, MedGen C3150418, MONDO:0013162, OMIM 613158.

Submission:

Labcorp Genetics (formerly Invitae), Labcorp
Classification: Pathogenic for Muscular dystrophy-dystroglycanopathy (congenital with impaired intellectual development), type B, 2; Muscular dystrophy-dystroglycanopathy (congenital with brain and eye anomalies), type A2; Autosomal recessive limb-girdle muscular dystrophy type 2N. Last evaluated: 2023-01-01. Review status: criteria provided, single submitter. Criteria: Invitae Variant Classification Sherloc (09022015). Collection method: clinical testing. Allele origin: germline.
Comment: This variant has not been reported in the literature in individuals affected with POMT2-related conditions. This sequence change creates a premature translational stop signal (p.Trp47Hisfs*16) in the POMT2 gene. It is expected to result in an absent or disrupted protein product. Loss-of-function variants in POMT2 are known to be pathogenic (PMID: 15894594). This variant is not present in population databases (gnomAD no frequency). For these reasons, this variant has been classified as Pathogenic.

Literature cited by the submitters: PubMed 15894594.